The following is an entry in ClinVar:

ClinVar aggregate classification (germline): Likely pathogenic (1 of 4 stars; one submission).

Conditions:
Primary ciliary dyskinesia. Also called: Ciliary dyskinesia. Identifiers: Orphanet 244, MedGen C0008780, MONDO:0016575, HP:0012265.

Submission:

Natera, Inc.
Classification: Likely pathogenic for Primary ciliary dyskinesia. Last evaluated: 2024-04-24. Review status: criteria provided, single submitter. Criteria: Natera Variant Classification Schema (03/2026). Collection method: clinical testing. Allele origin: germline.
Comment: The c.3473_3474delCA variant in DNAH5 is a frameshift variant predicted to shift the reading frame beginning at codon 1158 and leads to a stop codon 10 codons downstream. This variant is expected to result in nonsense mediated decay, truncation, or a dysfunctional protein product. This variant is rare in the general population with a frequency below the threshold expected for the associated phenotype(s). Given the available evidence, this variant is classified as Likely Pathogenic.

NM_001369.3(DNAH5):c.3473_3474del (p.Thr1158fs)

Genes: DNAH5 (dynein axonemal heavy chain 5; minus strand), DNAH5-AS1 (DNAH5 antisense RNA 1; plus strand). Cytogenetic location: 5p15.2.
Variant type: Deletion.
Coding change: c.3473_3474del on transcript NM_001369.3 (MANE Select); coding-DNA positions 3473 to 3474, 2 bases deleted (CA; older notation c.3473_3474delCA).
Protein change: p.Thr1158fs; shifts the reading frame from threonine 1158.
Molecular consequence: frameshift variant.
Genome position (GRCh38, 1-based): chr5:13,871,688-13,871,689, TG deleted on the plus strand (CA on the coding strand, the reverse complement: DNAH5 is on the minus strand); deleting any 2 consecutive bases within chr5:13,871,688-13,871,690 gives the same sequence; the c. name uses the placement nearest the transcript's 3' end. VCF-style (leftmost placement, unchanged base first): chr5-13871687-ATG-A. GRCh37 (hg19) VCF-style: chr5-13871796-ATG-A.
Other names: short protein forms T1158fs.
Identifiers: ClinVar variation 4814881 (VCV004814881.1).